The following is an entry in ClinVar:

NM_005419.4(STAT2):c.2472T>C (p.Ala824=)

Gene: STAT2 (signal transducer and activator of transcription 2; minus strand). Cytogenetic location: 12q13.3.
Variant type: single nucleotide variant.
Coding change: c.2472T>C on transcript NM_005419.4 (MANE Select); coding-DNA position 2472, T replaced by C.
Protein change: p.Ala824=; no amino-acid change (alanine 824 retained).
Molecular consequence: synonymous variant.
Genome position (GRCh38, 1-based): chr12:56,343,473, A>G on the plus strand (T>C on the coding strand, the complement: STAT2 is on the minus strand). VCF-style: chr12-56343473-A-G. GRCh37 (hg19) VCF-style: chr12-56737257-A-G.
Other names: p.Ala824=; c.2460T>C, p.Ala820= (NM_198332.2).
Identifiers: ClinVar variation 403492 (VCV000403492.16), dbSNP rs61754171, ClinGen allele CA6630244.

ClinVar aggregate classification (germline): Benign/Likely benign. Review status: criteria provided, multiple submitters, no conflicts (2 of 4 stars). 6 submissions from 6 submitters: Benign (5); Likely benign (1). Last evaluated 2026-01-22.

Conditions:
Primary immunodeficiency with post-measles-mumps-rubella vaccine viral infection. Also called: Immunodeficiency 44. Identifiers: Orphanet 431166, MedGen C4225260, MONDO:0014715, OMIM 616636.

Allele frequency attached by ClinVar (database versions not stated): 1000 Genomes Project 30x 0.00531; 1000 Genomes Project 0.00539; TOPMed 0.01094; gnomAD 0.01492 and 0.01516; gnomAD exomes 0.01624 and 0.01883; ExAC 0.01746.
gnomAD v4.1: 29,671 of 1,614,186 alleles (1.8%); highest among the groups gnomAD compares: Non-Finnish European, 2%; 366 homozygotes.

Submissions (6):

Women's Health and Genetics/Laboratory Corporation of America, LabCorp
Classification: Benign. Last evaluated: 2026-01-22. Review status: criteria provided, single submitter. Criteria: LabCorp Variant Classification Summary - May 2015. Collection method: clinical testing. Allele origin: germline.

Labcorp Genetics (formerly Invitae), Labcorp
Classification: Benign for Primary immunodeficiency with post-measles-mumps-rubella vaccine viral infection. Last evaluated: 2025-07-30. Review status: criteria provided, single submitter. Criteria: Invitae Variant Classification Sherloc (09022015). Collection method: clinical testing. Allele origin: germline.

Mayo Clinic Laboratories, Mayo Clinic
Classification: Benign. Last evaluated: 2024-12-23. Review status: criteria provided, single submitter. Criteria: ACMG Guidelines, 2015. Collection method: clinical testing. Allele origin: germline. Observed: 9 variant alleles.
Comment: BS1, BS2, BP4, BP7

Blueprint Genetics
Classification: Likely benign. Last evaluated: 2024-11-25. Review status: criteria provided, single submitter. Criteria: ACMG Guidelines, 2015. Collection method: clinical testing. Allele origin: germline.

Laboratory for Molecular Medicine, Mass General Brigham Personalized Medicine
Classification: Benign. Last evaluated: 2016-03-29. Review status: criteria provided, single submitter. Criteria: LMM Criteria. Collection method: clinical testing. Allele origin: germline.
Comment: Variant identified in a genome or exome case(s) and assessed due to predicted null impact of the variant or pathogenic assertions in the literature or databases. Disclaimer: This variant has not undergone full assessment. The following are preliminary notes: In cis with c.2473G>T variant (per exac)

Breakthrough Genomics
Classification: Benign. Review status: criteria provided, single submitter. Criteria: ACMG Guidelines, 2015. Collection method: not provided. Allele origin: germline. Inheritance: Autosomal recessive inheritance. Affected: yes.